The following is an entry in ClinVar:

ClinVar aggregate classification (germline): Uncertain significance. Review status: criteria provided, multiple submitters, no conflicts (2 of 4 stars). 2 submissions from 2 submitters: Uncertain significance (2). Last evaluated 2024-04-01.

Conditions:
Inborn genetic diseases. Identifiers: MedGen C0950123, MeSH D030342.

Allele frequency attached by ClinVar (database versions not stated): gnomAD 0.00001; gnomAD exomes 0.00002 and 0.00004; ExAC 0.00005.
gnomAD v4.1: 27 of 1,613,136 alleles (0.0017%); highest among the groups gnomAD compares: South Asian, 0.029%; no homozygotes.

Submissions (2):

Ambry Genetics
Classification: Uncertain significance for Inborn genetic diseases. Last evaluated: 2024-04-01. Review status: criteria provided, single submitter. Criteria: Ambry Variant Classification Scheme 2023. Collection method: clinical testing. Allele origin: germline.

Labcorp Genetics (formerly Invitae), Labcorp
Classification: Uncertain significance. Last evaluated: 2021-06-21. Review status: criteria provided, single submitter. Criteria: Invitae Variant Classification Sherloc (09022015). Collection method: clinical testing. Allele origin: germline.
Comment: This variant has not been reported in the literature in individuals with ACBD5-related conditions. In summary, the available evidence is currently insufficient to determine the role of this variant in disease. Therefore, it has been classified as a Variant of Uncertain Significance. Algorithms developed to predict the effect of missense changes on protein structure and function (SIFT, PolyPhen-2, Align-GVGD) all suggest that this variant is likely to be tolerated, but these predictions have not been confirmed by published functional studies and their clinical significance is uncertain. This variant is present in population databases (rs750618594, ExAC 0.04%). This sequence change replaces serine with alanine at codon 471 of the ACBD5 protein (p.Ser471Ala). The serine residue is weakly conserved and there is a moderate physicochemical difference between serine and alanine.

NM_145698.5(ACBD5):c.1411T>G (p.Ser471Ala)

Gene: ACBD5 (acyl-CoA binding domain containing 5; minus strand). Cytogenetic location: 10p12.1.
Variant type: single nucleotide variant.
Coding change: c.1411T>G on transcript NM_145698.5 (MANE Select); coding-DNA position 1411, T replaced by G.
Protein change: p.Ser471Ala; replaces serine 471 with alanine.
Molecular consequence: missense variant.
Genome position (GRCh38, 1-based): chr10:27,205,242, A>C on the plus strand (T>G on the coding strand, the complement: ACBD5 is on the minus strand). VCF-style: chr10-27205242-A-C. GRCh37 (hg19) VCF-style: chr10-27494171-A-C.
Other names: c.1306T>G, p.Ser436Ala (NM_001042473.4, NM_001352577.2, NM_001352578.2 and 1 more transcripts); c.1405T>G, p.Ser469Ala (NM_001271512.3); c.1084T>G, p.Ser362Ala (NM_001301251.2, NM_001301252.2, NM_001301253.2 and 2 more transcripts); c.880T>G, p.Ser294Ala (NM_001301254.2); c.1465T>G, p.Ser489Ala (NM_001352568.1); c.1444T>G, p.Ser482Ala (NM_001352569.1); c.1411T>G, p.Ser471Ala (NM_001352570.1); c.1438T>G, p.Ser480Ala (NM_001352571.1); and 11 more; short protein forms S294A, S414A, S447A, S482A, S401A, S464A, S471A, S480A.
Identifiers: ClinVar variation 1466927 (VCV001466927.7), dbSNP rs750618594, ClinGen allele CA5450653.
Genomic context (GRCh38, chr10:27,205,242, plus strand): 5'-TTAAAAAATGTCTTACCTGTGAGGTGGGCTGAGGAGCAGTCTGCAATGTTGATGTTGATG[A>C]TTTTGCCTGTAAATGCAAATGAAGGTGACTTAGCCTTGAAAAAATGAAAAACACAGTAAT-3'
Protein context (NP_663736.2, residues 461-481): LETLTALQAK[Ser471Ala]STSTLQTAPQ